The following is an entry in ClinVar:

ClinVar aggregate classification (germline): Conflicting classifications of pathogenicity. Review status: criteria provided, conflicting classifications (1 of 4 stars). 6 submissions from 6 submitters: Likely pathogenic (5); Uncertain significance (1). Last evaluated 2025-12-16.

Conditions:
Inborn genetic diseases. Identifiers: MedGen C0950123, MeSH D030342.
Neuronal ceroid lipofuscinosis 13 (CLN13). Also called: CEROID LIPOFUSCINOSIS, NEURONAL, 13 (KUFS TYPE); CLN13 Disease. Identifiers: Orphanet 352709, Orphanet 79262, MedGen C3715049, MONDO:0014147, OMIM 615362.
Neuronal ceroid lipofuscinosis. Also called: Neuronal Ceroid Lipofuscinoses. Identifiers: Orphanet 216, Orphanet 79263, MedGen C0027877, MONDO:0016295. Disease mechanism: loss of function.

Allele frequency attached by ClinVar (database versions not stated): gnomAD exomes 0.00002; TOPMed 0.00023; gnomAD 0.00025; 1000 Genomes Project 30x 0.00031; 1000 Genomes Project 0.00040.

Submissions (6):

Labcorp Genetics (formerly Invitae), Labcorp
Classification: Likely pathogenic for Neuronal ceroid lipofuscinosis 13. Last evaluated: 2025-12-16. Review status: criteria provided, single submitter. Criteria: Invitae Variant Classification Sherloc (09022015). Collection method: clinical testing. Allele origin: germline.
Comment: This sequence change affects an acceptor splice site in intron 8 of the CTSF gene. It is expected to disrupt RNA splicing. Variants that disrupt the donor or acceptor splice site typically lead to a loss of protein function (PMID: 16199547), and loss-of-function variants in CTSF are known to be pathogenic (PMID: 23297359, 25274848). This variant is present in population databases (rs141915593, gnomAD 0.07%). This variant has not been reported in the literature in individuals affected with CTSF-related conditions. ClinVar contains an entry for this variant (Variation ID: 265519). Algorithms developed to predict the effect of sequence changes on RNA splicing suggest that this variant may disrupt the consensus splice site. In summary, the currently available evidence indicates that the variant is pathogenic, but additional data are needed to prove that conclusively. Therefore, this variant has been classified as Likely Pathogenic.

Women's Health and Genetics/Laboratory Corporation of America, LabCorp
Classification: Likely pathogenic for Neuronal ceroid lipofuscinosis. Last evaluated: 2025-11-12. Review status: criteria provided, single submitter. Criteria: LabCorp Variant Classification Summary - May 2015. Collection method: clinical testing. Allele origin: germline.
Comment: Variant summary: CTSF c.1046-2A>C is located in a canonical splice-site and is predicted to affect mRNA splicing resulting in a significantly altered protein due to either exon skipping, shortening, or inclusion of intronic material. Variants that disrupt the consensus splice site are a relatively common cause of aberrant splicing and loss of CTSF function. Several computational tools predict a significant impact on normal splicing: Four predict the variant abolishes a 3' acceptor site. However, these predictions have yet to be confirmed by functional studies. The variant allele was found at a frequency of 8.3e-05 in 204312 control chromosomes. This frequency is not significantly higher than estimated for disease-causing variants in CTSF, allowing no conclusion about variant significance. c.1046-2A>C has been reported in the literature in at-least one individual affected with Sporadic Ataxia (Ngo_2020). These report(s) do not provide unequivocal conclusions about association of the variant with Neuronal Ceroid-Lipofuscinosis (Batten Disease). To our knowledge, no experimental evidence demonstrating an impact on protein function has been reported. The following publication has been ascertained in the context of this evaluation (PMID: 31692161). ClinVar contains an entry for this variant (Variation ID: 265519). Based on the evidence outlined above, the variant was classified as likely pathogenic.

Fulgent Genetics
Classification: Likely pathogenic for Neuronal ceroid lipofuscinosis 13. Last evaluated: 2024-05-12. Review status: criteria provided, single submitter. Criteria: ACMG Guidelines, 2015. Collection method: clinical testing. Allele origin: germline.

GeneDx
Classification: Uncertain significance. Last evaluated: 2024-03-22. Review status: criteria provided, single submitter. Criteria: GeneDx Variant Classification Process June 2021. Collection method: clinical testing. Allele origin: germline. Affected: yes.
Comment: Canonical splice site variant expected to result in aberrant splicing, although in the absence of functional evidence the actual effect of this sequence change is unknown.; This variant is associated with the following publications: (PMID: 31345219, 31692161)

Revvity Omics, Revvity
Classification: Likely pathogenic for Neuronal ceroid lipofuscinosis 13. Last evaluated: 2021-06-03. Review status: criteria provided, single submitter. Criteria: ACMG Guidelines, 2015. Collection method: clinical testing. Allele origin: germline.

Ambry Genetics
Classification: Likely pathogenic for Inborn genetic diseases. Last evaluated: 2018-03-19. Review status: criteria provided, single submitter. Criteria: Ambry Variant Classification Scheme 2023. Collection method: clinical testing. Allele origin: germline.
Comment: The c.1046-2A>C intronic variant results from an A to C substitution two nucleotides upstream from coding exon 9 in the CTSF gene. This nucleotide position is highly conserved in available vertebrate species. This splice prediction software predicts that this alteration will abolish the native splice acceptor site. Based on the majority of available evidence to date, this variant is likely to be pathogenic.

Literature cited by the submitters: PubMed 16199547 (cited by Labcorp Genetics (formerly Invitae), Labcorp); PubMed 23297359 (cited by Labcorp Genetics (formerly Invitae), Labcorp); PubMed 25274848 (cited by Labcorp Genetics (formerly Invitae), Labcorp); PubMed 31692161 (cited by Women's Health and Genetics/Laboratory Corporation of America, LabCorp); PubMed 31345219 (cited by Women's Health and Genetics/Laboratory Corporation of America, LabCorp); PubMed 34269512 (cited by Women's Health and Genetics/Laboratory Corporation of America, LabCorp).

NM_003793.4(CTSF):c.1046-2A>C

Gene: CTSF (cathepsin F; minus strand). Cytogenetic location: 11q13.2.
Variant type: single nucleotide variant.
Coding change: c.1046-2A>C on transcript NM_003793.4 (MANE Select); the canonical splice acceptor site of the intron before coding-DNA position 1046, A replaced by C.
Molecular consequence: splice acceptor variant.
Genome position (GRCh38, 1-based): chr11:66,565,008, T>G on the plus strand (A>C on the coding strand, the complement: CTSF is on the minus strand). VCF-style: chr11-66565008-T-G. GRCh37 (hg19) VCF-style: chr11-66332479-T-G.
Identifiers: ClinVar variation 265519 (VCV000265519.21), dbSNP rs141915593, ClinGen allele CA6125323.
Genomic context (GRCh38, chr11:66,565,008, plus strand): 5'-GAAGTTGCAGGACTGCATGTGACCCTGGTAGCTGTAGTCATCCTCTGTCTCCAGCCCTCC[T>G]GGGGAACGGTGGGGGTGAGTAGAGAAGGGCAGGCTCCCATTTGCCATTCACAGCCAGAAA-3'